The following is an entry in ClinVar:

ClinVar aggregate classification (germline): Conflicting classifications of pathogenicity. Review status: criteria provided, conflicting classifications (1 of 4 stars). 11 submissions from 11 submitters: Pathogenic (1); Uncertain significance (1); Benign (2); Likely benign (5). 2 of the submissions do not count toward it. Last evaluated 2026-01-10.

Conditions:
Mitochondrial complex II deficiency, nuclear type 1. Also called: SUCCINATE CoQ REDUCTASE DEFICIENCY. Identifiers: Orphanet 3208, MedGen C5700310, MONDO:0100294, OMIM 252011.
Pheochromocytoma/paraganglioma syndrome 5. Also called: Paragangliomas 5; SDHA-Related Hereditary Paraganglioma-Pheochromocytoma Syndrome. Identifiers: Orphanet 29072, MedGen C3279992, MONDO:0013602, OMIM 614165.
Hereditary cancer-predisposing syndrome. Also called: Hereditary neoplastic syndrome; Neoplastic Syndromes, Hereditary; Hereditary Cancer Syndrome; Tumor predisposition. Identifiers: Orphanet 140162, MedGen C0027672, MeSH D009386, MONDO:0015356.
Neurodegeneration with ataxia and late-onset optic atrophy. Identifiers: MedGen C5543254, MONDO:0031006, OMIM 619259.
Dilated cardiomyopathy 1GG (CMD1GG). Identifiers: Orphanet 154, MedGen C3150898, MONDO:0013339, OMIM 613642.

Allele frequency attached by ClinVar (database versions not stated): gnomAD exomes 0.00097; ExAC 0.03824.

Submissions (11):

Labcorp Genetics (formerly Invitae), Labcorp
Classification: Benign for Pheochromocytoma/paraganglioma syndrome 5; Mitochondrial complex II deficiency, nuclear type 1. Last evaluated: 2026-01-10. Review status: criteria provided, single submitter. Criteria: Invitae Variant Classification Sherloc (09022015). Collection method: clinical testing. Allele origin: germline.

MOLECULAR BIOLOGY AND HUMAN GENETICS DIVISION, THE UNIVERSITY OF BURDWAN
Classification: Pathogenic for Mitochondrial complex II deficiency, nuclear type 1. Last evaluated: 2025-11-28. Review status: criteria provided, single submitter. Criteria: ACMG Guidelines, 2015. Collection method: research. Allele origin: germline. Affected: yes. Observed: 1 variant allele.
Comment: By In Silico analysis, such as SIFT, Mutation Taster, CADD phred score, Amino acid conservation study, protein stability, and protein modelling, all show the loss of function effect, thus this variant can be classified as Pathogenic.

Dasa
Classification: Likely benign. Last evaluated: 2025-04-09. Review status: criteria provided, single submitter. Criteria: DASA Assertion Criteria. Collection method: clinical testing. Allele origin: germline.
Comment: NM_004168.4(SDHA):c.1396G>A (p.Ala466Thr) is a missense variant that results in the substitution of alanine with threonine. Population frequency is inconsistent with a disease-causing role for this variant. Therefore, based on the currently available evidence, this variant is classified as likely benign.

Blueprint Genetics
Classification: Likely benign. Last evaluated: 2024-11-26. Review status: criteria provided, single submitter. Criteria: ACMG Guidelines, 2015. Collection method: clinical testing. Allele origin: germline.

ARUP Laboratories, Molecular Genetics and Genomics, ARUP Laboratories
Classification: Likely benign. Last evaluated: 2024-09-27. Review status: criteria provided, single submitter. Criteria: ARUP Molecular Germline Variant Investigation Process 2024. Collection method: clinical testing. Allele origin: germline.

Department of Pathology and Laboratory Medicine, Sinai Health System
Classification: Likely benign for Mitochondrial complex II deficiency, nuclear type 1; Dilated cardiomyopathy 1GG; Pheochromocytoma/paraganglioma syndrome 5; Neurodegeneration with ataxia and late-onset optic atrophy. Last evaluated: 2023-11-08. Review status: criteria provided, single submitter. Criteria: ACMG Guidelines, 2015. Collection method: clinical testing. Allele origin: germline. Affected: yes.

Institute for Clinical Genetics, University Hospital TU Dresden, University Hospital TU Dresden
Classification: Uncertain significance. Last evaluated: 2021-11-03. Review status: criteria provided, single submitter. Criteria: ACMG Guidelines, 2015. Collection method: clinical testing. Allele origin: germline.

Sema4
Classification: Likely benign for Hereditary cancer-predisposing syndrome. Last evaluated: 2021-07-26. Review status: criteria provided, single submitter. Criteria: Sema4 Curation Guidelines. Collection method: curation. Allele origin: germline.

Ambry Genetics
Classification: Benign for Hereditary cancer-predisposing syndrome. Last evaluated: 2015-04-27. Review status: criteria provided, single submitter. Criteria: Ambry Variant Classification Scheme 2023. Collection method: clinical testing. Allele origin: germline.

Diagnostic Laboratory, Department of Genetics, University Medical Center Groningen
Classification: Benign. Review status: no assertion criteria provided. Collection method: clinical testing. Allele origin: germline. Affected: yes. Study: VKGL Data-share Consensus. Not counted in ClinVar's aggregate classification.

Laboratory of Diagnostic Genome Analysis, Leiden University Medical Center (LUMC)
Classification: Likely benign. Review status: no assertion criteria provided. Collection method: clinical testing. Allele origin: germline. Affected: yes. Study: VKGL Data-share Consensus. Not counted in ClinVar's aggregate classification.

Literature cited by the submitters: PubMed 35014173 (cited by MOLECULAR BIOLOGY AND HUMAN GENETICS DIVISION, THE UNIVERSITY OF BURDWAN); PubMed 29395620 (cited by Department of Pathology and Laboratory Medicine, Sinai Health System); PubMed 35145582 (cited by Department of Pathology and Laboratory Medicine, Sinai Health System).

NM_004168.4(SDHA):c.1396G>A (p.Ala466Thr)

Gene: SDHA (succinate dehydrogenase complex flavoprotein subunit A; plus strand). Cytogenetic location: 5p15.33.
Variant type: single nucleotide variant.
Coding change: c.1396G>A on transcript NM_004168.4 (MANE Select); coding-DNA position 1396, G replaced by A.
Protein change: p.Ala466Thr; replaces alanine 466 with threonine.
Molecular consequence: missense variant.
Genome position (GRCh38, 1-based): chr5:236,563, G>A. VCF-style: chr5-236563-G-A. GRCh37 (hg19) VCF-style: chr5-236678-G-A.
Other names: c.1252G>A, p.Ala418Thr (NM_001294332.2); c.1396G>A, p.Ala466Thr (NM_001330758.2); short protein forms A466T, A418T.
Identifiers: ClinVar variation 472327 (VCV000472327.29), dbSNP rs111387770, ClinGen allele CA3173214.